The following is an entry in ClinVar:

ClinVar aggregate classification (germline): Uncertain significance. Review status: criteria provided, multiple submitters, no conflicts (2 of 4 stars). 2 submissions from 2 submitters: Uncertain significance (2). Last evaluated 2024-02-18.

Conditions:
Duchenne muscular dystrophy (DMD). Also called: Duchenne Muscular Dystrophy (DMD); MUSCULAR DYSTROPHY, PSEUDOHYPERTROPHIC PROGRESSIVE, DUCHENNE TYPE. Identifiers: Orphanet 98896, MedGen C0013264, MONDO:0010679, OMIM 310200.
Cardiovascular phenotype. Identifiers: MedGen CN230736.

Submissions (2):

Labcorp Genetics (formerly Invitae), Labcorp
Classification: Uncertain significance for Duchenne muscular dystrophy. Last evaluated: 2024-02-18. Review status: criteria provided, single submitter. Criteria: Invitae Variant Classification Sherloc (09022015). Collection method: clinical testing. Allele origin: germline.
Comment: This sequence change replaces asparagine, which is neutral and polar, with serine, which is neutral and polar, at codon 122 of the DMD protein (p.Asn122Ser). This variant is not present in population databases (gnomAD no frequency). This variant has not been reported in the literature in individuals affected with DMD-related conditions. ClinVar contains an entry for this variant (Variation ID: 2450342). Advanced modeling of protein sequence and biophysical properties (such as structural, functional, and spatial information, amino acid conservation, physicochemical variation, residue mobility, and thermodynamic stability) performed at Invitae indicates that this missense variant is not expected to disrupt DMD protein function with a negative predictive value of 95%. In summary, the available evidence is currently insufficient to determine the role of this variant in disease. Therefore, it has been classified as a Variant of Uncertain Significance.

Ambry Genetics
Classification: Uncertain significance for Cardiovascular phenotype. Last evaluated: 2022-12-12. Review status: criteria provided, single submitter. Criteria: Ambry Variant Classification Scheme 2023. Collection method: clinical testing. Allele origin: germline.
Comment: The p.N122S variant (also known as c.365A>G), located in coding exon 6 of the DMD gene, results from an A to G substitution at nucleotide position 365. The asparagine at codon 122 is replaced by serine, an amino acid with highly similar properties. This amino acid position is not well conserved in available vertebrate species. In addition, this alteration is predicted to be tolerated by in silico analysis. Since supporting evidence is limited at this time, the clinical significance of this alteration remains unclear.

NM_004006.3(DMD):c.365A>G (p.Asn122Ser)

Gene: DMD (dystrophin; minus strand). Cytogenetic location: Xp21.1.
Variant type: single nucleotide variant.
Coding change: c.365A>G on transcript NM_004006.3 (MANE Select); coding-DNA position 365, A replaced by G.
Protein change: p.Asn122Ser; replaces asparagine 122 with serine.
Molecular consequence: missense variant. On other transcripts: 5 prime UTR variant (1).
Genome position (GRCh38, 1-based): chrX:32,816,633, T>C on the plus strand (A>G on the coding strand, the complement: DMD is on the minus strand). VCF-style: chrX-32816633-T-C. GRCh37 (hg19) VCF-style: chrX-32834750-T-C.
Other names: c.341A>G, p.Asn114Ser (NM_000109.4); c.353A>G, p.Asn118Ser (NM_004009.3); c.-5A>G (NM_004010.3); short protein forms N118S, N114S, N122S.
Identifiers: ClinVar variation 2450342 (VCV002450342.4), dbSNP rs1603437369, ClinGen allele CA412674377.
Genomic context (GRCh38, chrX:32,816,633, plus strand): 5'-CTCAGGAGAATCTTTTCACTGTTGGTTTGTTGCAATCCAGCCATGATATTTTTCATTACA[T>C]TTTTGACCTACATGTGGAAATAAATTTTCATAAGAAAATGCATTCCTTGAGCAAGAACCA-3'
Protein context (NP_003997.2, residues 112-132): WNIILHWQVK[Asn122Ser]VMKNIMAGLQ